The following is an entry in ClinVar:

NM_014053.4(FLVCR1):c.675C>G (p.Ala225=)

Gene: FLVCR1 (FLVCR choline and heme transporter 1; plus strand). Cytogenetic location: 1q32.3.
Variant type: single nucleotide variant.
Coding change: c.675C>G on transcript NM_014053.4 (MANE Select); coding-DNA position 675, C replaced by G.
Protein change: p.Ala225=; no amino-acid change (alanine 225 retained).
Molecular consequence: synonymous variant.
Genome position (GRCh38, 1-based): chr1:212,859,127, C>G. VCF-style: chr1-212859127-C-G. GRCh37 (hg19) VCF-style: chr1-213032469-C-G.
Other names: c.675C>G (NM_014053.3).
Identifiers: ClinVar variation 2029500 (VCV002029500.6), dbSNP rs781142202, ClinGen allele CA1385929.

ClinVar aggregate classification (germline): Likely benign. Review status: criteria provided, single submitter (1 of 4 stars). 2 submissions from 2 submitters: Likely benign (1). 1 of the submissions does not count toward it. Last evaluated 2024-03-28.

Conditions:
FLVCR1-related disorder. Also called: FLVCR1-related condition.

Allele frequency attached by ClinVar (database versions not stated): TOPMed below 0.00001; ExAC 0.00002.
gnomAD v4.1: 19 of 1,613,880 alleles (0.0012%); highest among the groups gnomAD compares: East Asian, 0.0067%; no homozygotes.

Submissions (2):

Labcorp Genetics (formerly Invitae), Labcorp
Classification: Likely benign. Last evaluated: 2024-03-28. Review status: criteria provided, single submitter. Criteria: Invitae Variant Classification Sherloc (09022015). Collection method: clinical testing. Allele origin: germline.

PreventionGenetics, part of Exact Sciences
Classification: Likely benign for FLVCR1-related condition. Last evaluated: 2019-03-13. Review status: no assertion criteria provided. Collection method: clinical testing. Allele origin: germline. Not counted in ClinVar's aggregate classification.
Comment: This variant is classified as likely benign based on ACMG/AMP sequence variant interpretation guidelines (Richards et al. 2015 PMID: 25741868, with internal and published modifications).